The following is an entry in ClinVar:

ClinVar aggregate classification (germline): Uncertain significance (1 of 4 stars; one submission).

Submission:

Labcorp Genetics (formerly Invitae), Labcorp
Classification: Uncertain significance. Last evaluated: 2025-03-31. Review status: criteria provided, single submitter. Criteria: Invitae Variant Classification Sherloc (09022015). Collection method: clinical testing. Allele origin: germline.
Comment: This sequence change falls in intron 14 of the ACO2 gene. It does not directly change the encoded amino acid sequence of the ACO2 protein. This variant is not present in population databases (gnomAD no frequency). This variant has not been reported in the literature in individuals affected with ACO2-related conditions. Algorithms developed to predict the effect of sequence changes on RNA splicing suggest that this variant may disrupt the consensus splice site. In summary, the available evidence is currently insufficient to determine the role of this variant in disease. Therefore, it has been classified as a Variant of Uncertain Significance.

NM_001098.3(ACO2):c.1762-9C>G

Genes: ACO2 (aconitase 2; plus strand), POLR3H (RNA polymerase III subunit H; minus strand). Cytogenetic location: 22q13.2.
Variant type: single nucleotide variant.
Coding change: c.1762-9C>G on transcript NM_001098.3 (MANE Select); 9 bases into the intron before coding-DNA position 1762, C replaced by G.
Molecular consequence: intron variant. On other transcripts: 3 prime UTR variant (5).
Genome position (GRCh38, 1-based): chr22:41,526,253, C>G. VCF-style: chr22-41526253-C-G. GRCh37 (hg19) VCF-style: chr22-41922257-C-G.
Other names: c.*3030G>C (NM_001018050.4, NM_001018052.4, NM_001282884.2 and 2 more transcripts).
Identifiers: ClinVar variation 4714518 (VCV004714518.1).